The following is an entry in ClinVar:

ClinVar aggregate classification (germline): Uncertain significance (1 of 4 stars; one submission).

Conditions:
Spastic paraplegia. Identifiers: MedGen C0037772, HP:0001258.

gnomAD v4.1: 2 of 1,211,490 alleles (0.00017%); highest among the groups gnomAD compares: Non-Finnish European, 0.00022%; no homozygotes.

Submission:

Labcorp Genetics (formerly Invitae), Labcorp
Classification: Uncertain significance for Spastic paraplegia. Last evaluated: 2025-07-13. Review status: criteria provided, single submitter. Criteria: Invitae Variant Classification Sherloc (09022015). Collection method: clinical testing. Allele origin: germline.
Comment: This sequence change replaces arginine, which is basic and polar, with histidine, which is basic and polar, at codon 317 of the SLC16A2 protein (p.Arg317His). This variant is not present in population databases (gnomAD no frequency). This variant has not been reported in the literature in individuals affected with SLC16A2-related conditions. Invitae Evidence Modeling of protein sequence and biophysical properties (such as structural, functional, and spatial information, amino acid conservation, physicochemical variation, residue mobility, and thermodynamic stability) indicates that this missense variant is not expected to disrupt SLC16A2 protein function with a negative predictive value of 95%. In summary, the available evidence is currently insufficient to determine the role of this variant in disease. Therefore, it has been classified as a Variant of Uncertain Significance.

NM_006517.5(SLC16A2):c.950G>A (p.Arg317His)

Gene: SLC16A2 (solute carrier family 16 member 2; plus strand). Cytogenetic location: Xq13.2.
Variant type: single nucleotide variant.
Coding change: c.950G>A on transcript NM_006517.5 (MANE Select); coding-DNA position 950, G replaced by A.
Protein change: p.Arg317His; replaces arginine 317 with histidine.
Molecular consequence: missense variant.
Genome position (GRCh38, 1-based): chrX:74,524,733, G>A. VCF-style: chrX-74524733-G-A. GRCh37 (hg19) VCF-style: chrX-73744568-G-A.
Other names: short protein forms R317H.
Identifiers: ClinVar variation 4796926 (VCV004796926.1).